The following is an entry in ClinVar:

NM_018897.3(DNAH7):c.11934T>A (p.Tyr3978Ter)

Gene: DNAH7 (dynein axonemal heavy chain 7; minus strand). Cytogenetic location: 2q32.3.
Variant type: single nucleotide variant.
Coding change: c.11934T>A on transcript NM_018897.3 (MANE Select); coding-DNA position 11934, T replaced by A.
Protein change: p.Tyr3978Ter; replaces tyrosine 3978 with a stop codon.
Molecular consequence: nonsense.
Genome position (GRCh38, 1-based): chr2:195,738,062, A>T on the plus strand (T>A on the coding strand, the complement: DNAH7 is on the minus strand). VCF-style: chr2-195738062-A-T. GRCh37 (hg19) VCF-style: chr2-196602786-A-T.
Other names: short protein forms Y3978*.
Identifiers: ClinVar variation 715894 (VCV000715894.47), dbSNP rs80112322, ClinGen allele CA2033588.

ClinVar aggregate classification (germline): Likely benign. Review status: criteria provided, multiple submitters, no conflicts (2 of 4 stars). 3 submissions from 3 submitters: Likely benign (2). 1 of the submissions does not count toward it. Last evaluated 2026-08-01.

Conditions:
DNAH7-related disorder. Also called: DNAH7-related condition.

Allele frequency attached by ClinVar (database versions not stated): 1000 Genomes Project 30x 0.00141; 1000 Genomes Project 0.00160; ESP Exome Variant Server 0.00190; gnomAD 0.00227 and 0.00239; gnomAD exomes 0.00230 and 0.00351; TOPMed 0.00237; ExAC 0.00246.
gnomAD v4.1: 5,426 of 1,614,008 alleles (0.34%); highest among the groups gnomAD compares: Non-Finnish European, 0.42%; 16 homozygotes.

Submissions (3):

CeGaT Center for Human Genetics Tuebingen
Classification: Likely benign. Last evaluated: 2026-08-01. Review status: criteria provided, single submitter. Criteria: CeGaT Center For Human Genetics Tuebingen Variant Classification Criteria Version 2. Collection method: clinical testing. Allele origin: germline. Affected: yes. Observed: 8 variant alleles.
Comment: DNAH7: BS2

Labcorp Genetics (formerly Invitae), Labcorp
Classification: Likely benign. Last evaluated: 2019-12-31. Review status: criteria provided, single submitter. Criteria: Invitae Variant Classification Sherloc (09022015). Collection method: clinical testing. Allele origin: germline.

PreventionGenetics, part of Exact Sciences
Classification: Likely benign for DNAH7-related condition. Last evaluated: 2022-03-01. Review status: no assertion criteria provided. Collection method: clinical testing. Allele origin: germline. Not counted in ClinVar's aggregate classification.
Comment: This variant is classified as likely benign based on ACMG/AMP sequence variant interpretation guidelines (Richards et al. 2015 PMID: 25741868, with internal and published modifications).